The following is an entry in ClinVar:

ClinVar aggregate classification (germline): Uncertain significance (1 of 4 stars; one submission).

Conditions:
Familial thoracic aortic aneurysm and aortic dissection (TAAD). Also called: Thoracic aortic aneurysms and dissections. Identifiers: Orphanet 91387, MedGen C4707243, MONDO:0019625.

gnomAD v4.1: 1 of 1,609,256 alleles (0.000062%); highest among the groups gnomAD compares: Non-Finnish European, 0.000085%; no homozygotes.

Submission:

Ambry Genetics
Classification: Uncertain significance for Familial thoracic aortic aneurysm and aortic dissection. Last evaluated: 2025-02-10. Review status: criteria provided, single submitter. Criteria: Ambry Variant Classification Scheme 2023. Collection method: clinical testing. Allele origin: germline.
Comment: The p.F1744V variant (also known as c.5230T>G), located in coding exon 28 of the NOTCH1 gene, results from a T to G substitution at nucleotide position 5230. The phenylalanine at codon 1744 is replaced by valine, an amino acid with highly similar properties. This amino acid position is conserved. In addition, this alteration is predicted to be tolerated by in silico analysis. Based on the available evidence, the clinical significance of this variant remains unclear.

NM_017617.5(NOTCH1):c.5230T>G (p.Phe1744Val)

Gene: NOTCH1 (notch receptor 1; minus strand). Cytogenetic location: 9q34.3.
Variant type: single nucleotide variant.
Coding change: c.5230T>G on transcript NM_017617.5 (MANE Select); coding-DNA position 5230, T replaced by G.
Protein change: p.Phe1744Val; replaces phenylalanine 1744 with valine.
Molecular consequence: missense variant.
Genome position (GRCh38, 1-based): chr9:136,502,426, A>C on the plus strand (T>G on the coding strand, the complement: NOTCH1 is on the minus strand). VCF-style: chr9-136502426-A-C. GRCh37 (hg19) VCF-style: chr9-139396878-A-C.
Other names: short protein forms F1744V.
Identifiers: ClinVar variation 3880490 (VCV003880490.1).
Genomic context (GRCh38, chr9:136,502,426, plus strand): 5'-GCTGCCGCCGGCGCTTGCGGGACAGCAGCACCCCGCAGCCCACGAAGAACAGAAGCACAA[A>C]GGCGGCCGCCGCCACGTACATGAAGTGCAGCTGCGCCGGCGGGGGCGGCTCCACGGTCTC-3'
Protein context (NP_060087.3, residues 1734-1754): LHFMYVAAAA[Phe1744Val]VLLFFVGCGV